The following is an entry in ClinVar:

ClinVar aggregate classification (germline): Uncertain significance (1 of 4 stars; one submission).

Allele frequency attached by ClinVar (database versions not stated): gnomAD exomes below 0.00001; TOPMed below 0.00001.
gnomAD v4.1: 2 of 1,613,826 alleles (0.00012%); highest among the groups gnomAD compares: Non-Finnish European, 0.00017%; no homozygotes.

Submission:

Labcorp Genetics (formerly Invitae), Labcorp
Classification: Uncertain significance. Last evaluated: 2021-12-13. Review status: criteria provided, single submitter. Criteria: Invitae Variant Classification Sherloc (09022015). Collection method: clinical testing. Allele origin: germline.
Comment: In summary, the available evidence is currently insufficient to determine the role of this variant in disease. Therefore, it has been classified as a Variant of Uncertain Significance. Algorithms developed to predict the effect of missense changes on protein structure and function are either unavailable or do not agree on the potential impact of this missense change (SIFT: "Not Available"; PolyPhen-2: "Possibly Damaging"; Align-GVGD: "Not Available"). This variant has not been reported in the literature in individuals affected with LCT-related conditions. This variant is not present in population databases (gnomAD no frequency). This sequence change replaces isoleucine, which is neutral and non-polar, with methionine, which is neutral and non-polar, at codon 1093 of the LCT protein (p.Ile1093Met).

NM_002299.4(LCT):c.3279A>G (p.Ile1093Met)

Gene: LCT (lactase; minus strand). Cytogenetic location: 2q21.3.
Variant type: single nucleotide variant.
Coding change: c.3279A>G on transcript NM_002299.4 (MANE Select); coding-DNA position 3279, A replaced by G.
Protein change: p.Ile1093Met; replaces isoleucine 1093 with methionine.
Molecular consequence: missense variant.
Genome position (GRCh38, 1-based): chr2:135,809,068, T>C on the plus strand (A>G on the coding strand, the complement: LCT is on the minus strand). VCF-style: chr2-135809068-T-C. GRCh37 (hg19) VCF-style: chr2-136566638-T-C.
Other names: short protein forms I1093M.
Identifiers: ClinVar variation 1946707 (VCV001946707.5), dbSNP rs1238406390, ClinGen allele CA348600017.